The following is an entry in ClinVar:

NM_002451.4(MTAP):c.603G>A (p.Glu201=)

Gene: MTAP (methylthioadenosine phosphorylase; plus strand). Cytogenetic location: 9p21.3.
Variant type: single nucleotide variant.
Coding change: c.603G>A on transcript NM_002451.4 (MANE Select); coding-DNA position 603, G replaced by A.
Protein change: p.Glu201=; no amino-acid change (glutamic acid 201 retained).
Molecular consequence: synonymous variant.
Genome position (GRCh38, 1-based): chr9:21,854,783, G>A. VCF-style: chr9-21854783-G-A. GRCh37 (hg19) VCF-style: chr9-21854782-G-A.
Identifiers: ClinVar variation 366246 (VCV000366246.9), dbSNP rs189392570, ClinGen allele CA5011914.

ClinVar aggregate classification (germline): Benign/Likely benign. Review status: criteria provided, multiple submitters, no conflicts (2 of 4 stars). 3 submissions from 3 submitters: Benign (2); Likely benign (1). Last evaluated 2023-07-07.

Conditions:
Diaphyseal medullary stenosis-bone malignancy syndrome. Also called: MYOPATHY, LIMB-GIRDLE, WITH BONE FRAGILITY; BONE DYSPLASIA WITH MALIGNANT FIBROUS HISTIOCYTOMA; BONE DYSPLASIA WITH MEDULLARY FIBROSARCOMA. Identifiers: Orphanet 85182, MedGen C1862177, MONDO:0007205, OMIM 112250.

Allele frequency attached by ClinVar (database versions not stated): gnomAD exomes 0.00002 and 0.00014; gnomAD 0.00004 and 0.00005; TOPMed 0.00006; ExAC 0.00012; 1000 Genomes Project 0.00040; 1000 Genomes Project 30x 0.00047.
gnomAD v4.1: 53 of 1,614,156 alleles (0.0033%); highest among the groups gnomAD compares: East Asian, 0.091%; 1 homozygote.

Submissions (3):

KCCC/NGS Laboratory, Kuwait Cancer Control Center
Classification: Likely benign for Diaphyseal medullary stenosis-bone malignancy syndrome. Last evaluated: 2023-07-07. Review status: criteria provided, single submitter. Criteria: ACMG Guidelines, 2015. Collection method: clinical testing. Allele origin: germline. Affected: yes.

Labcorp Genetics (formerly Invitae), Labcorp
Classification: Benign. Last evaluated: 2018-03-30. Review status: criteria provided, single submitter. Criteria: Invitae Variant Classification Sherloc (09022015). Collection method: clinical testing. Allele origin: germline.

Illumina Laboratory Services, Illumina
Classification: Benign for Diaphyseal medullary stenosis-bone malignancy syndrome. Last evaluated: 2018-01-12. Review status: criteria provided, single submitter. Criteria: ICSL Variant Classification Criteria 13 December 2019. Collection method: clinical testing. Allele origin: germline.
Comment: This variant was observed in the ICSL laboratory as part of a predisposition screen in an ostensibly healthy population. It had not been previously curated by ICSL or reported in the Human Gene Mutation Database (HGMD: prior to June 1st, 2018), and was therefore a candidate for classification through an automated scoring system. Utilizing variant allele frequency, disease prevalence and penetrance estimates, and inheritance mode, an automated score was calculated to assess if this variant is too frequent to cause the disease. Based on the score and internal cut-off values, a variant classified as benign is not then subjected to further curation. The score for this variant resulted in a classification of benign for this disease.